The following is an entry in ClinVar:

ClinVar aggregate classification (germline): Uncertain significance. Review status: criteria provided, multiple submitters, no conflicts (2 of 4 stars). 3 submissions from 3 submitters: Uncertain significance (2). 1 of the submissions does not count toward it. Last evaluated 2025-12-06.

Conditions:
PKD1L1-related disorder. Also called: PKD1L1-related condition.

Allele frequency attached by ClinVar (database versions not stated): TOPMed 0.00001; ExAC 0.00002; gnomAD 0.00003.
gnomAD v4.1: 19 of 1,613,466 alleles (0.0012%); highest among the groups gnomAD compares: Admixed American, 0.0084%; 1 homozygote.

Submissions (3):

Labcorp Genetics (formerly Invitae), Labcorp
Classification: Uncertain significance. Last evaluated: 2025-12-06. Review status: criteria provided, single submitter. Criteria: Invitae Variant Classification Sherloc (09022015). Collection method: clinical testing. Allele origin: germline.
Comment: This sequence change replaces alanine, which is neutral and non-polar, with valine, which is neutral and non-polar, at codon 1134 of the PKD1L1 protein (p.Ala1134Val). This variant is present in population databases (rs779221855, gnomAD no frequency). This variant has not been reported in the literature in individuals affected with PKD1L1-related conditions. ClinVar contains an entry for this variant (Variation ID: 3035959). Invitae Evidence Modeling of protein sequence and biophysical properties (such as structural, functional, and spatial information, amino acid conservation, physicochemical variation, residue mobility, and thermodynamic stability) indicates that this missense variant is not expected to disrupt PKD1L1 protein function with a negative predictive value of 80%. In summary, the available evidence is currently insufficient to determine the role of this variant in disease. Therefore, it has been classified as a Variant of Uncertain Significance.

Blueprint Genetics
Classification: Uncertain significance. Last evaluated: 2024-11-11. Review status: criteria provided, single submitter. Criteria: ACMG Guidelines, 2015. Collection method: clinical testing. Allele origin: germline.

PreventionGenetics, part of Exact Sciences
Classification: Uncertain significance for PKD1L1-related condition. Last evaluated: 2024-01-23. Review status: no assertion criteria provided. Collection method: clinical testing. Allele origin: germline. Not counted in ClinVar's aggregate classification.
Comment: The PKD1L1 c.3401C>T variant is predicted to result in the amino acid substitution p.Ala1134Val. To our knowledge, this variant has not been reported in the literature or in a large population database, indicating this variant is rare. At this time, the clinical significance of this variant is uncertain due to the absence of conclusive functional and genetic evidence.

NM_138295.5(PKD1L1):c.3401C>T (p.Ala1134Val)

Gene: PKD1L1 (polycystin 1 like 1, transient receptor potential channel interacting; minus strand). Cytogenetic location: 7p12.3.
Variant type: single nucleotide variant.
Coding change: c.3401C>T on transcript NM_138295.5 (MANE Select); coding-DNA position 3401, C replaced by T.
Protein change: p.Ala1134Val; replaces alanine 1134 with valine.
Molecular consequence: missense variant.
Genome position (GRCh38, 1-based): chr7:47,881,950, G>A on the plus strand (C>T on the coding strand, the complement: PKD1L1 is on the minus strand). VCF-style: chr7-47881950-G-A. GRCh37 (hg19) VCF-style: chr7-47921548-G-A.
Other names: short protein forms A1134V.
Identifiers: ClinVar variation 3035959 (VCV003035959.4), dbSNP rs779221855, ClinGen allele CA4253439.